The following is an entry in ClinVar:

ClinVar aggregate classification (germline): Uncertain significance (1 of 4 stars; one submission).

Conditions:
Singleton-Merten syndrome 1 (SGMRT1). Also called: Widened medullary cavities of bone, aortic calcification, abnormal dentition, and muscular weakness; Syndrome of widened medullary cavities of the metacarpals and phalanges, aortic calcification and abnormal dentition. Identifiers: Orphanet 85191, MedGen C4225427, MONDO:0024535, OMIM 182250.
Aicardi-Goutieres syndrome 7 (AGS7). Identifiers: Orphanet 51, MedGen C3888244, MONDO:0014367, OMIM 615846.

Allele frequency attached by ClinVar (database versions not stated): TOPMed below 0.00001.

Submission:

Labcorp Genetics (formerly Invitae), Labcorp
Classification: Uncertain significance for Aicardi-Goutieres syndrome 7; Singleton-Merten syndrome 1. Last evaluated: 2024-07-17. Review status: criteria provided, single submitter. Criteria: Invitae Variant Classification Sherloc (09022015). Collection method: clinical testing. Allele origin: germline.
Comment: This sequence change replaces threonine, which is neutral and polar, with isoleucine, which is neutral and non-polar, at codon 413 of the IFIH1 protein (p.Thr413Ile). This variant is not present in population databases (gnomAD no frequency). This variant has not been reported in the literature in individuals affected with IFIH1-related conditions. This missense change has been observed in at least one individual who was not affected with IFIH1-related conditions (Invitae). ClinVar contains an entry for this variant (Variation ID: 1953687). Advanced modeling of protein sequence and biophysical properties (such as structural, functional, and spatial information, amino acid conservation, physicochemical variation, residue mobility, and thermodynamic stability) has been performed at Invitae for this missense variant, however the output from this modeling did not meet the statistical confidence thresholds required to predict the impact of this variant on IFIH1 protein function. In summary, the available evidence is currently insufficient to determine the role of this variant in disease. Therefore, it has been classified as a Variant of Uncertain Significance.

NM_022168.4(IFIH1):c.1238C>T (p.Thr413Ile)

Gene: IFIH1 (interferon induced with helicase C domain 1; minus strand). Cytogenetic location: 2q24.2.
Variant type: single nucleotide variant.
Coding change: c.1238C>T on transcript NM_022168.4 (MANE Select); coding-DNA position 1238, C replaced by T.
Protein change: p.Thr413Ile; replaces threonine 413 with isoleucine.
Molecular consequence: missense variant.
Genome position (GRCh38, 1-based): chr2:162,282,434, G>A on the plus strand (C>T on the coding strand, the complement: IFIH1 is on the minus strand). VCF-style: chr2-162282434-G-A. GRCh37 (hg19) VCF-style: chr2-163138944-G-A.
Other names: short protein forms T413I.
Identifiers: ClinVar variation 1953687 (VCV001953687.5), dbSNP rs778794264, ClinGen allele CA349002786.